The following is an entry in ClinVar:

NM_000126.4(ETFA):c.718del (p.Gln240fs)

Gene: ETFA (electron transfer flavoprotein subunit alpha; minus strand). Cytogenetic location: 15q24.2.
Variant type: Deletion.
Coding change: c.718del on transcript NM_000126.4 (MANE Select); coding-DNA position 718, one base deleted (C; older notation c.718delC).
Protein change: p.Gln240fs; shifts the reading frame from glutamine 240.
Molecular consequence: frameshift variant.
Genome position (GRCh38, 1-based): chr15:76,283,772, G deleted on the plus strand (C on the coding strand, the reverse complement: ETFA is on the minus strand). VCF-style (leftmost placement, unchanged base first): chr15-76283771-TG-T. GRCh37 (hg19) VCF-style: chr15-76576112-TG-T.
Other names: c.571del, p.Gln191fs (NM_001127716.2); short protein forms Q191fs, Q240fs.
Identifiers: ClinVar variation 4817478 (VCV004817478.1).

ClinVar aggregate classification (germline): Likely pathogenic (1 of 4 stars; one submission).

Conditions:
Glutaric acidemia type 2A.

Submission:

Natera, Inc.
Classification: Likely pathogenic for Glutaric acidemia type 2A. Last evaluated: 2024-07-25. Review status: criteria provided, single submitter. Criteria: Natera Variant Classification Schema (03/2026). Collection method: clinical testing. Allele origin: germline.
Comment: The c.718del variant in ETFA is a frameshift variant predicted to shift the reading frame beginning at codon 240 and leads to a stop codon 30 codons downstream. This variant is expected to result in nonsense mediated decay, truncation, or a dysfunctional protein product. This variant is rare in the general population with a frequency below the threshold expected for the associated phenotype(s). Given the available evidence, this variant is classified as Likely Pathogenic.